The following is an entry in ClinVar:

NM_006329.4(FBLN5):c.917A>G (p.Tyr306Cys)

Gene: FBLN5 (fibulin 5; minus strand). Cytogenetic location: 14q32.12.
Variant type: single nucleotide variant.
Coding change: c.917A>G on transcript NM_006329.4 (MANE Select); coding-DNA position 917, A replaced by G.
Protein change: p.Tyr306Cys; replaces tyrosine 306 with cysteine.
Molecular consequence: missense variant.
Genome position (GRCh38, 1-based): chr14:91,881,364, T>C on the plus strand (A>G on the coding strand, the complement: FBLN5 is on the minus strand). VCF-style: chr14-91881364-T-C. GRCh37 (hg19) VCF-style: chr14-92347708-T-C.
Other names: c.1040A>G, p.Tyr347Cys (NM_001384158.1); c.968A>G, p.Tyr323Cys (NM_001384159.1); c.917A>G, p.Tyr306Cys (NM_001384160.1); c.749A>G, p.Tyr250Cys (NM_001384161.1, NM_001384162.1); short protein forms Y347C, Y306C, Y250C, Y323C.
Identifiers: ClinVar variation 2801462 (VCV002801462.3), dbSNP rs2542765396, ClinGen allele CA390641954.

ClinVar aggregate classification (germline): Uncertain significance (1 of 4 stars; one submission).

Allele frequency attached by ClinVar (database versions not stated): gnomAD exomes below 0.00001.
gnomAD v4.1: 1 of 1,613,938 alleles (0.000062%); highest among the groups gnomAD compares: Non-Finnish European, 0.000085%; no homozygotes.

Submission:

Labcorp Genetics (formerly Invitae), Labcorp
Classification: Uncertain significance. Last evaluated: 2023-04-08. Review status: criteria provided, single submitter. Criteria: Invitae Variant Classification Sherloc (09022015). Collection method: clinical testing. Allele origin: germline.
Comment: In summary, the available evidence is currently insufficient to determine the role of this variant in disease. Therefore, it has been classified as a Variant of Uncertain Significance. Advanced modeling of protein sequence and biophysical properties (such as structural, functional, and spatial information, amino acid conservation, physicochemical variation, residue mobility, and thermodynamic stability) performed at Invitae indicates that this missense variant is not expected to disrupt FBLN5 protein function. This variant has not been reported in the literature in individuals affected with FBLN5-related conditions. This variant is not present in population databases (gnomAD no frequency). This sequence change replaces tyrosine, which is neutral and polar, with cysteine, which is neutral and slightly polar, at codon 306 of the FBLN5 protein (p.Tyr306Cys).